The following is an entry in ClinVar:

NM_016038.4(SBDS):c.685A>G (p.Lys229Glu)

Gene: SBDS (SBDS ribosome maturation factor; minus strand). Cytogenetic location: 7q11.21.
Variant type: single nucleotide variant.
Coding change: c.685A>G on transcript NM_016038.4 (MANE Select); coding-DNA position 685, A replaced by G.
Protein change: p.Lys229Glu; replaces lysine 229 with glutamic acid.
Molecular consequence: missense variant.
Genome position (GRCh38, 1-based): chr7:66,988,439, T>C on the plus strand (A>G on the coding strand, the complement: SBDS is on the minus strand). VCF-style: chr7-66988439-T-C. GRCh37 (hg19) VCF-style: chr7-66453426-T-C.
Other names: short protein forms K229E.
Identifiers: ClinVar variation 4864056 (VCV004864056.1).

ClinVar aggregate classification (germline): Uncertain significance (1 of 4 stars; one submission).

Conditions:
Inborn genetic diseases. Identifiers: MedGen C0950123, MeSH D030342.

gnomAD v4.1: 2 of 1,613,956 alleles (0.00012%); highest among the groups gnomAD compares: Admixed American, 0.0033%; no homozygotes.

Submission:

Ambry Genetics
Classification: Uncertain significance for Inborn genetic diseases. Last evaluated: 2026-04-30. Review status: criteria provided, single submitter. Criteria: Ambry Variant Classification Scheme 2023. Collection method: clinical testing. Allele origin: germline.
Comment: The p.K229E variant (also known as c.685A>G), located in coding exon 5 of the SBDS gene, results from an A to G substitution at nucleotide position 685. The lysine at codon 229 is replaced by glutamic acid, an amino acid with similar properties. This amino acid position is conserved. In addition, the in silico prediction for this alteration is inconclusive. Based on the available evidence, the clinical significance of this variant remains unclear.